The following is an entry in ClinVar:

NM_000444.6(PHEX):c.898del (p.Lys299_Met300insTer)

Gene: PHEX (phosphate regulating endopeptidase X-linked; plus strand). Cytogenetic location: Xp22.11.
Variant type: Deletion.
Coding change: c.898del on transcript NM_000444.6 (MANE Select); coding-DNA position 898, one base deleted (A; older notation c.898delA).
Protein change: p.Lys299_Met300insTer.
Molecular consequence: nonsense.
Genome position (GRCh38, 1-based): chrX:22,097,003, A deleted; the last of 4 consecutive A bases (chrX:22,097,000-22,097,003); deleting any one gives the same sequence. VCF-style (leftmost placement, unchanged base first): chrX-22096999-CA-C. GRCh37 (hg19) VCF-style: chrX-22115117-CA-C.
Other names: c.898del, p.Lys299_Met300insTer (NM_001282754.2).
Identifiers: ClinVar variation 1072884 (VCV001072884.7), dbSNP rs2147043679, ClinGen allele CA2499226573.

ClinVar aggregate classification (germline): Pathogenic (1 of 4 stars; one submission).

Submission:

Labcorp Genetics (formerly Invitae), Labcorp
Classification: Pathogenic. Last evaluated: 2020-07-22. Review status: criteria provided, single submitter. Criteria: Invitae Variant Classification Sherloc (09022015). Collection method: clinical testing. Allele origin: germline.
Comment: For these reasons, this variant has been classified as Pathogenic. Loss-of-function variants in PHEX are known to be pathogenic (PMID: 9097956, 9106524, 19219621). This variant has not been reported in the literature in individuals with PHEX-related conditions. This variant is not present in population databases (ExAC no frequency). This sequence change creates a premature translational stop signal (p.Met300*) in the PHEX gene. It is expected to result in an absent or disrupted protein product.

Literature cited by the submitters: PubMed 9097956; PubMed 9106524; PubMed 19219621.